The following is an entry in ClinVar:

ClinVar aggregate classification (germline): Benign (1 of 4 stars; one submission).

Conditions:
Tuberous sclerosis 2 (TSC2). Identifiers: Orphanet 805, MedGen C1860707, MONDO:0013199, OMIM 613254.

gnomAD v4.1: 35 of 1,600,542 alleles (0.0022%); highest among the groups gnomAD compares: Non-Finnish European, 0.0029%; no homozygotes.

Submission:

Myriad Genetics, Inc.
Classification: Benign for Tuberous sclerosis 2. Last evaluated: 2025-06-09. Review status: criteria provided, single submitter. Criteria: Myriad Autosomal Dominant, Autosomal Recessive and X-Linked Classification Criteria (2023). Collection method: clinical testing. Allele origin: unknown.
Comment: This variant is considered benign. This variant occurs in the non-coding 3' untranslated region of the gene, and is not expected to impact protein function.

NM_000548.5(TSC2):c.*3C>T

Gene: TSC2 (TSC complex subunit 2; plus strand). Cytogenetic location: 16p13.3.
Variant type: single nucleotide variant.
Coding change: c.*3C>T on transcript NM_000548.5 (MANE Select); 3 bases downstream of the stop codon, C replaced by T.
Molecular consequence: 3 prime UTR variant. On other transcripts: non-coding transcript variant (5).
Genome position (GRCh38, 1-based): chr16:2,088,613, C>T. VCF-style: chr16-2088613-C-T. GRCh37 (hg19) VCF-style: chr16-2138614-C-T.
Other names: c.*3C>T (NM_001406684.1, NM_001406685.1, NM_001406686.1 and 39 more transcripts).
Identifiers: ClinVar variation 4071101 (VCV004071101.1).
Genomic context (GRCh38, chr16:2,088,613, plus strand): 5'-GGTGGGCCAGCGGAAGCGCCTCATCTCCTCGGTGGAGGACTTCACCGAGTTTGTGTGAGG[C>T]CGGGGCCCTCCCTCCTGCACTGGCCTTGGACGGTATTGCCTGTCAGTGAAATAAATAAAG-3'